The following is an entry in ClinVar:

NM_006774.5(INMT):c.791G>C (p.Ter264Ser)

Genes: INMT (indolethylamine N-methyltransferase; plus strand), INMT-MINDY4 (INMT-MINDY4 readthrough (NMD candidate); plus strand). Cytogenetic location: 7p14.3.
Variant type: single nucleotide variant.
Coding change: c.791G>C on transcript NM_006774.5 (MANE Select); coding-DNA position 791, G replaced by C.
Protein change: p.Ter264Ser.
Molecular consequence: stop lost.
Genome position (GRCh38, 1-based): chr7:30,755,850, G>C. VCF-style: chr7-30755850-G-C. GRCh37 (hg19) VCF-style: chr7-30795466-G-C.
Other names: *264S; *263S; c.788G>C, p.Ter263Ser (NM_001199219.2).
Identifiers: ClinVar variation 402980 (VCV000402980.4), dbSNP rs61741736, ClinGen allele CA4207030.

ClinVar aggregate classification (germline): Benign (1 of 4 stars; one submission).

Allele frequency attached by ClinVar (database versions not stated): 1000 Genomes Project 30x 0.01156; 1000 Genomes Project 0.01238; TOPMed 0.01925; gnomAD 0.02173 and 0.02186; gnomAD exomes 0.02239 and 0.02985; ExAC 0.02492; ESP Exome Variant Server 0.02583.
gnomAD v4.1: 46,347 of 1,604,138 alleles (2.9%); highest among the groups gnomAD compares: Non-Finnish European, 3.4%; 758 homozygotes.

Submission:

Laboratory for Molecular Medicine, Mass General Brigham Personalized Medicine
Classification: Benign. Last evaluated: 2016-03-29. Review status: criteria provided, single submitter. Criteria: LMM Criteria. Collection method: clinical testing. Allele origin: germline.
Comment: Variant identified in a genome or exome case(s) and assessed due to predicted null impact of the variant or pathogenic assertions in the literature or databases. Disclaimer: This variant has not undergone full assessment. The following are preliminary notes: Frequency in ESP (all): 336/13006= 2.58%